The following is an entry in ClinVar:

NM_000096.4(CP):c.147-2A>G

Gene: CP (ceruloplasmin; minus strand). Cytogenetic location: 3q25.1.
Variant type: single nucleotide variant.
Coding change: c.147-2A>G on transcript NM_000096.4 (MANE Select); the canonical splice acceptor site of the intron before coding-DNA position 147, A replaced by G.
Molecular consequence: splice acceptor variant.
Genome position (GRCh38, 1-based): chr3:149,212,700, T>C on the plus strand (A>G on the coding strand, the complement: CP is on the minus strand). VCF-style: chr3-149212700-T-C. GRCh37 (hg19) VCF-style: chr3-148930487-T-C.
Identifiers: ClinVar variation 373141 (VCV000373141.2), dbSNP rs1057518247, ClinGen allele CA16042423.

ClinVar aggregate classification (germline): Pathogenic (1 of 4 stars; one submission).

Allele frequency attached by ClinVar (database versions not stated): gnomAD exomes below 0.00001 and 0.00001.
gnomAD v4.1: 7 of 1,613,258 alleles (0.00043%); highest among the groups gnomAD compares: East Asian, 0.011%; no homozygotes.

Submission:

GeneDx
Classification: Pathogenic. Last evaluated: 2016-11-21. Review status: criteria provided, single submitter. Criteria: GeneDx Variant Classification (06012015). Collection method: clinical testing. Allele origin: germline. Affected: yes.
Comment: The c.147-2A>G pathogenic variant in the CP gene has not been reported previously as a pathogenic variant nor as a benign variant, to our knowledge. This splice site variant destroys the canonical splice acceptor site in intron 1. It is predicted to cause abnormal gene splicing, either leading to an abnormal message that is subject to nonsense-mediated mRNA decay, or to an abnormal protein product if the message is used for protein translation. The c.147-2A>G variant was not observed in approximately 6,500 individuals of European and African American ancestry in the NHLBI Exome Sequencing Project, indicating it is not a common benign variant in these populations. We interpret c.147-2A>G as a pathogenic variant.